The following is an entry in ClinVar:

NM_001145358.2(SIN3A):c.3400C>A (p.Arg1134=)

Gene: SIN3A (SIN3 transcription regulator family member A; minus strand). Cytogenetic location: 15q24.2.
Variant type: single nucleotide variant.
Coding change: c.3400C>A on transcript NM_001145358.2 (MANE Select); coding-DNA position 3400, C replaced by A.
Protein change: p.Arg1134=; no amino-acid change (arginine 1134 retained).
Molecular consequence: synonymous variant.
Genome position (GRCh38, 1-based): chr15:75,375,856, G>T on the plus strand (C>A on the coding strand, the complement: SIN3A is on the minus strand). VCF-style: chr15-75375856-G-T. GRCh37 (hg19) VCF-style: chr15-75668197-G-T.
Other names: c.3400C>A, p.Arg1134= (NM_001145357.2, NM_015477.3).
Identifiers: ClinVar variation 3043540 (VCV003043540.2), dbSNP rs756123555, ClinGen allele CA7667239.
Genomic context (GRCh38, chr15:75,375,856, plus strand): 5'-TCTTGCTGTTTCCTTCCTTCCCTTCCTTTTCCTGCTGCTCTCGACCACGTTGACACTTCC[G>T]GATCCGCCGTAGATTCCTATTGCAGAAAAGCCCCGGAGGATGAGAGCTCGTCCAGATGCA-3'
Protein context (NP_001138830.1, residues 1124-1144): VFLPRNLRRI[Arg1134=]KCQRGREQQE

ClinVar aggregate classification (germline): Likely benign (0 of 4 stars; one submission).

Conditions:
SIN3A-related disorder. Also called: SIN3A-related condition.

gnomAD v4.1: 24 of 1,613,890 alleles (0.0015%); highest among the groups gnomAD compares: Non-Finnish European, 0.002%; no homozygotes.

Submission:

PreventionGenetics, part of Exact Sciences
Classification: Likely benign for SIN3A-related condition. Last evaluated: 2019-07-18. Review status: no assertion criteria provided. Collection method: clinical testing. Allele origin: germline.
Comment: This variant is classified as likely benign based on ACMG/AMP sequence variant interpretation guidelines (Richards et al. 2015 PMID: 25741868, with internal and published modifications).